The following is an entry in ClinVar:

ClinVar aggregate classification (germline): Benign/Likely benign. Review status: criteria provided, multiple submitters, no conflicts (2 of 4 stars). 2 submissions from 2 submitters: Benign (1); Likely benign (1). Last evaluated 2026-08-01.

Allele frequency attached by ClinVar (database versions not stated): gnomAD 0.00005; TOPMed 0.00005; ExAC 0.00006; gnomAD exomes 0.00007; 1000 Genomes Project 0.00020; 1000 Genomes Project 30x 0.00031.
gnomAD v4.1: 107 of 1,606,200 alleles (0.0067%); highest among the groups gnomAD compares: Admixed American, 0.01%; no homozygotes.

Submissions (2):

CeGaT Center for Human Genetics Tuebingen
Classification: Likely benign. Last evaluated: 2026-08-01. Review status: criteria provided, single submitter. Criteria: CeGaT Center For Human Genetics Tuebingen Variant Classification Criteria Version 2. Collection method: clinical testing. Allele origin: germline. Affected: yes. Observed: 1 variant allele.
Comment: KMT2B: BP4, BP7

Labcorp Genetics (formerly Invitae), Labcorp
Classification: Benign. Last evaluated: 2025-12-30. Review status: criteria provided, single submitter. Criteria: Invitae Variant Classification Sherloc (09022015). Collection method: clinical testing. Allele origin: germline.

NM_014727.3(KMT2B):c.6258G>A (p.Ser2086=)

Gene: KMT2B (lysine methyltransferase 2B; plus strand). Cytogenetic location: 19q13.12.
Variant type: single nucleotide variant.
Coding change: c.6258G>A on transcript NM_014727.3 (MANE Select); coding-DNA position 6258, G replaced by A.
Protein change: p.Ser2086=; no amino-acid change (serine 2086 retained).
Molecular consequence: synonymous variant.
Genome position (GRCh38, 1-based): chr19:35,732,807, G>A. VCF-style: chr19-35732807-G-A. GRCh37 (hg19) VCF-style: chr19-36223708-G-A.
Identifiers: ClinVar variation 2037490 (VCV002037490.5), dbSNP rs115531409, ClinGen allele CA9385646.